The following is an entry in ClinVar:

ClinVar aggregate classification (germline): Uncertain significance (1 of 4 stars; one submission).

Conditions:
Inborn genetic diseases. Identifiers: MedGen C0950123, MeSH D030342.

gnomAD v4.1: 1 of 1,613,460 alleles (0.000062%); highest among the groups gnomAD compares: Non-Finnish European, 0.000085%; no homozygotes.

Submission:

Ambry Genetics
Classification: Uncertain significance for Inborn genetic diseases. Last evaluated: 2024-07-12. Review status: criteria provided, single submitter. Criteria: Ambry Variant Classification Scheme 2023. Collection method: clinical testing. Allele origin: germline.
Comment: The c.2678C>T (p.P893L) alteration is located in exon 8 (coding exon 8) of the CDK13 gene. This alteration results from a C to T substitution at nucleotide position 2678, causing the proline (P) at amino acid position 893 to be replaced by a leucine (L). This variant was not reported in population-based cohorts in the Genome Aggregation Database (gnomAD). This amino acid position is highly conserved in available vertebrate species. This missense alteration is located in a region that has a low rate of benign missense variation (Lek, 2016; Firth, 2009). The in silico prediction for this alteration is inconclusive. Based on insufficient or conflicting evidence, the clinical significance of this alteration remains unclear.

NM_003718.5(CDK13):c.2678C>T (p.Pro893Leu)

Gene: CDK13 (cyclin dependent kinase 13; plus strand). Cytogenetic location: 7p14.1.
Variant type: single nucleotide variant.
Coding change: c.2678C>T on transcript NM_003718.5 (MANE Select); coding-DNA position 2678, C replaced by T.
Protein change: p.Pro893Leu; replaces proline 893 with leucine.
Molecular consequence: missense variant.
Genome position (GRCh38, 1-based): chr7:40,062,903, C>T. VCF-style: chr7-40062903-C-T. GRCh37 (hg19) VCF-style: chr7-40102502-C-T.
Other names: c.2678C>T, p.Pro893Leu (NM_031267.4); short protein forms P893L.
Identifiers: ClinVar variation 3489427 (VCV003489427.1).